The following is an entry in ClinVar:

ClinVar aggregate classification (germline): Uncertain significance (1 of 4 stars; one submission).

Conditions:
Cardiovascular phenotype. Identifiers: MedGen CN230736.

Submission:

Ambry Genetics
Classification: Uncertain significance for Cardiovascular phenotype. Last evaluated: 2026-09-11. Review status: criteria provided, single submitter. Criteria: Ambry Variant Classification Scheme 2023. Collection method: clinical testing. Allele origin: germline.
Comment: The p.L2470F variant (also known as c.7410A>T), located in coding exon 26 of the APOB gene, results from an A to T substitution at nucleotide position 7410. The leucine at codon 2470 is replaced by phenylalanine, an amino acid with highly similar properties. This amino acid position is conserved. In addition, this alteration is predicted to be tolerated by in silico analysis. Based on the available evidence, the clinical significance of this variant remains unclear.

NM_000384.3(APOB):c.7410A>T (p.Leu2470Phe)

Gene: APOB (apolipoprotein B; minus strand). Cytogenetic location: 2p24.1.
Variant type: single nucleotide variant.
Coding change: c.7410A>T on transcript NM_000384.3 (MANE Select); coding-DNA position 7410, A replaced by T.
Protein change: p.Leu2470Phe; replaces leucine 2470 with phenylalanine.
Molecular consequence: missense variant.
Genome position (GRCh38, 1-based): chr2:21,009,458, T>A on the plus strand (A>T on the coding strand, the complement: APOB is on the minus strand). VCF-style: chr2-21009458-T-A. GRCh37 (hg19) VCF-style: chr2-21232330-T-A.
Other names: short protein forms L2470F.
Identifiers: ClinVar variation 3416918 (VCV003416918.2).
Genomic context (GRCh38, chr2:21,009,458, plus strand): 5'-GGTTATTTTGGTGTCCTGTAGGCTTTCCAGATACACTGCAACTGTGGCCTTGGTTTCCTC[T>A]AAAAACAGTTTTAATGCTTCAGCTTTTTGTGGTAGTTCCAGAGCCTGAATTTCACCATTG-3'
Protein context (NP_000375.3, residues 2460-2480): PQKAEALKLF[Leu2470Phe]EETKATVAVY